The following is an entry in ClinVar:

ClinVar aggregate classification (germline): Likely benign. Review status: criteria provided, single submitter (1 of 4 stars). 2 submissions from 2 submitters: Likely benign (1). 1 of the submissions does not count toward it. Last evaluated 2025-06-27.

Conditions:
BBS10-related disorder. Also called: BBS10-related condition.
Bardet-Biedl syndrome (BBS). Identifiers: Orphanet 110, MedGen C0752166, MONDO:0015229.

Allele frequency attached by ClinVar (database versions not stated): gnomAD exomes 0.00001.

Submissions (2):

Labcorp Genetics (formerly Invitae), Labcorp
Classification: Likely benign for Bardet-Biedl syndrome. Last evaluated: 2025-06-27. Review status: criteria provided, single submitter. Criteria: Invitae Variant Classification Sherloc (09022015). Collection method: clinical testing. Allele origin: germline.

PreventionGenetics, part of Exact Sciences
Classification: Likely benign for BBS10-related condition. Last evaluated: 2020-10-19. Review status: no assertion criteria provided. Collection method: clinical testing. Allele origin: germline. Not counted in ClinVar's aggregate classification.
Comment: This variant is classified as likely benign based on ACMG/AMP sequence variant interpretation guidelines (Richards et al. 2015 PMID: 25741868, with internal and published modifications).

NM_024685.4(BBS10):c.1494A>G (p.Val498=)

Gene: BBS10 (Bardet-Biedl syndrome 10; minus strand). Cytogenetic location: 12q21.2.
Variant type: single nucleotide variant.
Coding change: c.1494A>G on transcript NM_024685.4 (MANE Select); coding-DNA position 1494, A replaced by G.
Protein change: p.Val498=; no amino-acid change (valine 498 retained).
Molecular consequence: synonymous variant.
Genome position (GRCh38, 1-based): chr12:76,346,491, T>C on the plus strand (A>G on the coding strand, the complement: BBS10 is on the minus strand). VCF-style: chr12-76346491-T-C. GRCh37 (hg19) VCF-style: chr12-76740271-T-C.
Other names: c.1494A>G (NM_024685.3).
Identifiers: ClinVar variation 1133077 (VCV001133077.10), dbSNP rs1048483339, ClinGen allele CA239331761.